The following is an entry in ClinVar:

NM_001042750.2(STAG2):c.1726G>A (p.Ala576Thr)

Gene: STAG2 (STAG2 cohesin complex component; plus strand). Cytogenetic location: Xq25.
Variant type: single nucleotide variant.
Coding change: c.1726G>A on transcript NM_001042750.2 (MANE Select); coding-DNA position 1726, G replaced by A.
Protein change: p.Ala576Thr; replaces alanine 576 with threonine.
Molecular consequence: missense variant.
Genome position (GRCh38, 1-based): chrX:124,062,989, G>A. VCF-style: chrX-124062989-G-A. GRCh37 (hg19) VCF-style: chrX-123196839-G-A.
Other names: c.1726G>A, p.Ala576Thr (NM_001042749.2, NM_001042751.2, NM_001282418.2 and 13 more transcripts); short protein forms A576T.
Identifiers: ClinVar variation 2111476 (VCV002111476.4), dbSNP rs746483415, ClinGen allele CA10508855.
Genomic context (GRCh38, chrX:124,062,989, plus strand): 5'-CAGTTGGATGATAGGACAAAAATCACTGAGCTTTTTGCCGTGGCCCTTCCTCAGTTATTA[G>A]CAAAAGTAAGTTTGTGTCAATATCATAGTGTTACTAAGAAATGAGTTTTTTTTCCCTAAA-3'
Protein context (NP_001036215.1, residues 566-586): LFAVALPQLL[Ala576Thr]KYSVDAEKVT

ClinVar aggregate classification (germline): Uncertain significance (1 of 4 stars; one submission).

Allele frequency attached by ClinVar (database versions not stated): gnomAD exomes below 0.00001; TOPMed below 0.00001; ExAC 0.00002.
gnomAD v4.1: 1 of 1,209,089 alleles (0.000083%); highest among the groups gnomAD compares: East Asian, 0.003%; no homozygotes.

Submission:

Labcorp Genetics (formerly Invitae), Labcorp
Classification: Uncertain significance. Last evaluated: 2022-07-31. Review status: criteria provided, single submitter. Criteria: Invitae Variant Classification Sherloc (09022015). Collection method: clinical testing. Allele origin: germline.
Comment: This sequence change replaces alanine, which is neutral and non-polar, with threonine, which is neutral and polar, at codon 576 of the STAG2 protein (p.Ala576Thr). This variant is present in population databases (rs746483415, gnomAD 0.02%). This variant has not been reported in the literature in individuals affected with STAG2-related conditions. Algorithms developed to predict the effect of missense changes on protein structure and function (SIFT, PolyPhen-2, Align-GVGD) all suggest that this variant is likely to be tolerated. In summary, the available evidence is currently insufficient to determine the role of this variant in disease. Therefore, it has been classified as a Variant of Uncertain Significance.